The following is an entry in ClinVar:

NM_002941.4(ROBO1):c.2071A>G (p.Ile691Val)

Gene: ROBO1 (roundabout guidance receptor 1; minus strand). Cytogenetic location: 3p12.3.
Variant type: single nucleotide variant.
Coding change: c.2071A>G on transcript NM_002941.4 (MANE Select); coding-DNA position 2071, A replaced by G.
Protein change: p.Ile691Val; replaces isoleucine 691 with valine.
Molecular consequence: missense variant.
Genome position (GRCh38, 1-based): chr3:78,662,010, T>C on the plus strand (A>G on the coding strand, the complement: ROBO1 is on the minus strand). VCF-style: chr3-78662010-T-C. GRCh37 (hg19) VCF-style: chr3-78711160-T-C.
Other names: c.1963A>G, p.Ile655Val (NM_001145844.1, NM_001145845.2, NM_133631.4); short protein forms I655V, I691V.
Identifiers: ClinVar variation 2513226 (VCV002513226.4), dbSNP rs768656275, ClinGen allele CA2498794.

ClinVar aggregate classification (germline): Uncertain significance. Review status: criteria provided, multiple submitters, no conflicts (2 of 4 stars). 2 submissions from 2 submitters: Uncertain significance (2). Last evaluated 2024-06-21.

Conditions:
Inborn genetic diseases. Identifiers: MedGen C0950123, MeSH D030342.

Allele frequency attached by ClinVar (database versions not stated): TOPMed 0.00001; gnomAD 0.00002; ExAC 0.00005.
gnomAD v4.1: 79 of 1,607,818 alleles (0.0049%); highest among the groups gnomAD compares: Middle Eastern, 0.017%; no homozygotes.

Submissions (2):

Labcorp Genetics (formerly Invitae), Labcorp
Classification: Uncertain significance. Last evaluated: 2024-06-21. Review status: criteria provided, single submitter. Criteria: Invitae Variant Classification Sherloc (09022015). Collection method: clinical testing. Allele origin: germline.
Comment: This sequence change replaces isoleucine, which is neutral and non-polar, with valine, which is neutral and non-polar, at codon 691 of the ROBO1 protein (p.Ile691Val). This variant is present in population databases (rs768656275, gnomAD 0.007%). This variant has not been reported in the literature in individuals affected with ROBO1-related conditions. ClinVar contains an entry for this variant (Variation ID: 2513226). Advanced modeling of protein sequence and biophysical properties (such as structural, functional, and spatial information, amino acid conservation, physicochemical variation, residue mobility, and thermodynamic stability) performed at Invitae indicates that this missense variant is not expected to disrupt ROBO1 protein function with a negative predictive value of 95%. In summary, the available evidence is currently insufficient to determine the role of this variant in disease. Therefore, it has been classified as a Variant of Uncertain Significance.

Ambry Genetics
Classification: Uncertain significance for Inborn genetic diseases. Last evaluated: 2023-05-08. Review status: criteria provided, single submitter. Criteria: Ambry Variant Classification Scheme 2023. Collection method: clinical testing. Allele origin: germline.